The following is an entry in ClinVar:

ClinVar aggregate classification (germline): Uncertain significance (1 of 4 stars; one submission).

Submission:

GeneDx
Classification: Uncertain significance. Last evaluated: 2017-10-06. Review status: criteria provided, single submitter. Criteria: GeneDx Variant Classification (06012015). Collection method: clinical testing. Allele origin: germline. Affected: yes.
Comment: The c.42delC variant in the ADIPOQ gene has not been reported previously as a pathogenic variant nor as a benign variant, to our knowledge. The c.42delC variant causes a frameshift starting with codon Glycine 15, changes this amino acid to a Valine residue, and creates a premature Stop codon at position 154 of the new reading frame, denoted p.Gly15ValfsX154. This variant is predicted to cause loss of normal protein function through protein truncation. The c.42delC variant is not observed in large population cohorts (Lek et al., 2016). We interpret c.42delC as a variant of uncertain significance.

NM_004797.4(ADIPOQ):c.42del (p.Gly15fs)

Genes: ADIPOQ (adiponectin, C1Q and collagen domain containing; plus strand), ADIPOQ-AS1 (ADIPOQ antisense RNA 1; minus strand). Cytogenetic location: 3q27.3.
Variant type: Deletion.
Coding change: c.42del on transcript NM_004797.4 (MANE Select); coding-DNA position 42, one base deleted (C; older notation c.42delC).
Protein change: p.Gly15fs; shifts the reading frame from glycine 15.
Molecular consequence: frameshift variant. On other transcripts: non-coding transcript variant (1).
Genome position (GRCh38, 1-based): chr3:186,853,100, C deleted; the last of 3 consecutive C bases (chr3:186,853,098-186,853,100); deleting any one gives the same sequence. VCF-style (leftmost placement, unchanged base first): chr3-186853097-GC-G. GRCh37 (hg19) VCF-style: chr3-186570886-GC-G.
Other names: c.42del, p.Gly15fs (NM_001177800.2); short protein forms G15fs.
Identifiers: ClinVar variation 452713 (VCV000452713.2), dbSNP rs1553805881, ClinGen allele CA658657357.